The following is an entry in ClinVar:

NM_007255.3(B4GALT7):c.51-20C>T

Gene: B4GALT7 (beta-1,4-galactosyltransferase 7; plus strand). Cytogenetic location: 5q35.3.
Variant type: single nucleotide variant.
Coding change: c.51-20C>T on transcript NM_007255.3 (MANE Select); 20 bases into the intron before coding-DNA position 51, C replaced by T.
Molecular consequence: intron variant.
Genome position (GRCh38, 1-based): chr5:177,604,159, C>T. VCF-style: chr5-177604159-C-T. GRCh37 (hg19) VCF-style: chr5-177031160-C-T.
Identifiers: ClinVar variation 514342 (VCV000514342.3), dbSNP rs1554126437, ClinGen allele CA658796697.
Genomic context (GRCh38, chr5:177,604,159, plus strand): 5'-TCGTGGGGAGGCCAGAGAACGGGTCTGTCACAGGGCCAGCCCTGCCCCGCCCTCCTGACC[C>T]TGTCCCGCGCTTGCTCCAGGTCCGGGTTGCTCTCCGGCGGCCTCCCTCGGAAGTGTTCCG-3'

ClinVar aggregate classification (germline): Likely benign. Review status: criteria provided, multiple submitters, no conflicts (2 of 4 stars). 2 submissions from 2 submitters: Likely benign (2). Last evaluated 2024-05-01.

Conditions:
Spondylodysplastic Ehlers-Danlos syndrome. Identifiers: Orphanet 536471, Orphanet 75496, MedGen C5680154, MONDO:0007526.

Allele frequency attached by ClinVar (database versions not stated): gnomAD exomes below 0.00001.
gnomAD v4.1: 4 of 1,613,210 alleles (0.00025%); highest among the groups gnomAD compares: Non-Finnish European, 0.00034%; no homozygotes.

Submissions (2):

Labcorp Genetics (formerly Invitae), Labcorp
Classification: Likely benign for Spondylodysplastic Ehlers-Danlos syndrome. Last evaluated: 2024-05-01. Review status: criteria provided, single submitter. Criteria: Invitae Variant Classification Sherloc (09022015). Collection method: clinical testing. Allele origin: germline.

GeneDx
Classification: Likely benign. Last evaluated: 2018-01-04. Review status: criteria provided, single submitter. Criteria: GeneDx Variant Classification (06012015). Collection method: clinical testing. Allele origin: germline. Affected: yes.
Comment: This variant is considered likely benign or benign based on one or more of the following criteria: it is a conservative change, it occurs at a poorly conserved position in the protein, it is predicted to be benign by multiple in silico algorithms, and/or has population frequency not consistent with disease.